The following is an entry in ClinVar:

NM_001042492.3(NF1):c.3447G>T (p.Met1149Ile)

Gene: NF1 (neurofibromin 1; plus strand). Cytogenetic location: 17q11.2.
Variant type: single nucleotide variant.
Coding change: c.3447G>T on transcript NM_001042492.3 (MANE Select); coding-DNA position 3447, G replaced by T.
Protein change: p.Met1149Ile; replaces methionine 1149 with isoleucine.
Molecular consequence: missense variant.
Genome position (GRCh38, 1-based): chr17:31,232,832, G>T. VCF-style: chr17-31232832-G-T. GRCh37 (hg19) VCF-style: chr17-29559850-G-T.
Other names: c.3447G>T, p.Met1149Ile (NM_000267.4); short protein forms M1149I.
Identifiers: ClinVar variation 457650 (VCV000457650.17), dbSNP rs1064794277, ClinGen allele CA398989305.

ClinVar aggregate classification (germline): Pathogenic/Likely pathogenic. Review status: criteria provided, multiple submitters, no conflicts (2 of 4 stars). 6 submissions from 6 submitters: Pathogenic (4); Likely pathogenic (2). Last evaluated 2025-10-06.

Conditions:
Neurofibromatosis, type 1 (NF1). Also called: VON RECKLINGHAUSEN DISEASE; NEUROFIBROMATOSIS, TYPE I, SOMATIC; Peripheral type neurofibromatosis; Neurofibromatosis, type I. Identifiers: Orphanet 636, MedGen C0027831, MONDO:0018975, OMIM 162200. Disease mechanism: loss of function.
Café-au-lait macules with pulmonary stenosis (WTSN). Also called: PULMONIC STENOSIS WITH CAFE-AU-LAIT SPOTS. Identifiers: MedGen C0553586, MONDO:0008672, OMIM 193520.
Juvenile myelomonocytic leukemia (JMML). Also called: LEUKEMIA, JUVENILE MYELOMONOCYTIC, SOMATIC. Identifiers: Orphanet 86834, MedGen C0349639, MONDO:0011908, OMIM 607785, HP:0012209.
Neurofibromatosis-Noonan syndrome (NFNS). Also called: NEUROFIBROMATOSIS WITH NOONAN PHENOTYPE. Identifiers: Orphanet 638, MedGen C2931482, MONDO:0011035, OMIM 601321. Disease mechanism: loss of function.
Neurofibromatosis, familial spinal (FSNF). Identifiers: Orphanet 636, MedGen C1834235, MONDO:0008078, OMIM 162210. Disease mechanism: loss of function.

Submissions (6):

Labcorp Genetics (formerly Invitae), Labcorp
Classification: Pathogenic for Neurofibromatosis, type 1. Last evaluated: 2025-10-06. Review status: criteria provided, single submitter. Criteria: Invitae Variant Classification Sherloc (09022015). Collection method: clinical testing. Allele origin: germline.
Comment: This sequence change replaces methionine, which is neutral and non-polar, with isoleucine, which is neutral and non-polar, at codon 1149 of the NF1 protein (p.Met1149Ile). This variant is not present in population databases (gnomAD no frequency). This missense change has been observed in individual(s) with neurofibromatosis type 1 (NF1) (PMID: 16944272, 27322474; internal data). In at least one individual the variant was observed to be de novo. ClinVar contains an entry for this variant (Variation ID: 457650). Invitae Evidence Modeling of protein sequence and biophysical properties (such as structural, functional, and spatial information, amino acid conservation, physicochemical variation, residue mobility, and thermodynamic stability) indicates that this missense variant is expected to disrupt NF1 protein function with a positive predictive value of 95%. For these reasons, this variant has been classified as Pathogenic.

GeneDx
Classification: Pathogenic. Last evaluated: 2022-08-12. Review status: criteria provided, single submitter. Criteria: GeneDx Variant Classification Process June 2021. Collection method: clinical testing. Allele origin: germline. Affected: yes.
Comment: Missense variants at residue Met1149, including two other substitutions leading to p.Met1149Ile (c.3447G>A and c.3447G>C), are associated with reduced risk of NF1-associated tumors and increased occurrence of Noonan syndrome-related features (Koczkowska et al., 2020); Reported to segregate with unspecified NF1-associated features in a family (Koczkowska et al., 2020); In silico analysis supports that this missense variant has a deleterious effect on protein structure/function; Not observed at significant frequency in large population cohorts (gnomAD); This variant is associated with the following publications: (PMID: 25486365, 2121369, 22807134, 29290338, 34928431, 31595648)

Genome-Nilou Lab
Classification: Likely pathogenic for Neurofibromatosis, type 1. Last evaluated: 2022-03-15. Review status: criteria provided, single submitter. Criteria: ACMG Guidelines, 2015. Collection method: clinical testing. Allele origin: germline. Affected: no.

ARUP Laboratories, Molecular Genetics and Genomics, ARUP Laboratories
Classification: Pathogenic. Last evaluated: 2020-05-08. Review status: criteria provided, single submitter. Criteria: ARUP Molecular Germline Variant Investigation Process. Collection method: clinical testing. Allele origin: germline.
Comment: The NF1 c.3447G>T; p.Met1149Ile variant (rs1064794277) is reported in the literature in two individuals affected with neurofibromatosis type 1 (NF1) (Koczkowska 2020). This variant is absent from general population databases (Exome Variant Server, Genome Aggregation Database), indicating it is not a common polymorphism. The methionine at codon 1149 is highly conserved, and computational analyses (SIFT, PolyPhen-2) predict that this variant is deleterious. Two other variants leading to the same p.Met1149Ile amino acid substitution (c.3447G>A and c.3447G>C) have been reported in multiple individuals affected with NF1 (Evans 2016, Griffiths 2007, Koczkowska 2020), including a de novo occurrence of the c.3447G>A variant (Griffiths 2007). Further, other missense variants at the same codon (p.Met1149Leu, p.Met1149Thr, p.Met1149Val) have been reported in individuals affected with NF1 and are also considered disease-causing (Koczkowska 2020). Based on available information, the c.3447G>T; p.Met1149Ile variant is considered to be pathogenic. References: Evans DG et al. Comprehensive RNA Analysis of the NF1 Gene in Classically Affected NF1 Affected Individuals Meeting NIH Criteria has High Sensitivity and Mutation Negative Testing is Reassuring in Isolated Cases With Pigmentary Features Only. EBioMedicine. 2016 May;7:212-20. Griffiths S et al. Molecular diagnosis of neurofibromatosis type 1: 2 years experience. Fam Cancer. 2007;6(1):21-34. Koczkowska M et al. Clinical spectrum of individuals with pathogenic NF1 missense variants affecting p.Met1149, p.Arg1276, and p.Lys1423: genotype-phenotype study in neurofibromatosis type 1. Hum Mutat. 2020 Jan;41(1):299-315.

UAB Medical Genomics Laboratory, UAB Medicine
Classification: Pathogenic for Neurofibromatosis, type 1. Last evaluated: 2019-06-05. Review status: criteria provided, single submitter. Criteria: ACMG Guidelines, 2015. Collection method: clinical testing. Allele origin: inherited. Affected: yes.

Fulgent Genetics
Classification: Likely pathogenic for Neurofibromatosis, type 1; Neurofibromatosis, familial spinal; Café-au-lait macules with pulmonary stenosis; Neurofibromatosis-Noonan syndrome; Juvenile myelomonocytic leukemia. Last evaluated: 2018-10-31. Review status: criteria provided, single submitter. Criteria: ACMG Guidelines, 2015. Collection method: clinical testing. Allele origin: unknown.

Literature cited by the submitters: PubMed 16944272 (cited by Labcorp Genetics (formerly Invitae), Labcorp); PubMed 27322474 (cited by Labcorp Genetics (formerly Invitae), Labcorp); PubMed 31595648 (cited by UAB Medical Genomics Laboratory, UAB Medicine); PubMed 29290338 (cited by UAB Medical Genomics Laboratory, UAB Medicine).